The following is an entry in ClinVar:

ClinVar aggregate classification (germline): Uncertain significance (1 of 4 stars; one submission).

Conditions:
CNKSR2-related disorder. Also called: CNKSR2-related condition.

Submission:

PreventionGenetics, part of Exact Sciences
Classification: Uncertain significance for CNKSR2-related condition. Last evaluated: 2025-03-25. Review status: criteria provided, single submitter. Criteria: ACMG Guidelines, 2015. Collection method: clinical testing. Allele origin: germline.
Comment: The CNKSR2 c.1682G>A variant is predicted to result in the amino acid substitution p.Arg561Lys. To our knowledge, this variant has not been reported in the literature or in a large population database (gnomAD), indicating this variant is rare. At this time, the clinical significance of this variant is uncertain due to the absence of conclusive functional and genetic evidence.

NM_014927.5(CNKSR2):c.1682G>A (p.Arg561Lys)

Gene: CNKSR2 (connector enhancer of kinase suppressor of Ras 2; plus strand). Cytogenetic location: Xp22.12.
Variant type: single nucleotide variant.
Coding change: c.1682G>A on transcript NM_014927.5 (MANE Select); coding-DNA position 1682, G replaced by A.
Protein change: p.Arg561Lys; replaces arginine 561 with lysine.
Molecular consequence: missense variant.
Genome position (GRCh38, 1-based): chrX:21,591,046, G>A. VCF-style: chrX-21591046-G-A. GRCh37 (hg19) VCF-style: chrX-21609164-G-A.
Other names: c.1592G>A, p.Arg531Lys (NM_001168647.3, NM_001330773.2); c.1682G>A, p.Arg561Lys (NM_001168648.3); c.1535G>A, p.Arg512Lys (NM_001168649.3, NM_001330770.2); c.1445G>A, p.Arg482Lys (NM_001330771.2, NM_001330772.2); short protein forms R512K, R561K, R482K, R531K.
Identifiers: ClinVar variation 4999577 (VCV004999577.1).